The following is an entry in ClinVar:

NM_032608.7(MYO18B):c.1436G>A (p.Arg479Gln)

Gene: MYO18B (myosin XVIIIB; plus strand). Cytogenetic location: 22q12.1.
Variant type: single nucleotide variant.
Coding change: c.1436G>A on transcript NM_032608.7 (MANE Select); coding-DNA position 1436, G replaced by A.
Protein change: p.Arg479Gln; replaces arginine 479 with glutamine.
Molecular consequence: missense variant.
Genome position (GRCh38, 1-based): chr22:25,769,352, G>A. VCF-style: chr22-25769352-G-A. GRCh37 (hg19) VCF-style: chr22-26165319-G-A.
Other names: c.1436G>A, p.Arg479Gln (NM_001318245.2); short protein forms R479Q.
Identifiers: ClinVar variation 1421829 (VCV001421829.5), dbSNP rs372409922, ClinGen allele CA10159820.

ClinVar aggregate classification (germline): Uncertain significance (1 of 4 stars; one submission).

Allele frequency attached by ClinVar (database versions not stated): gnomAD 0.00001; gnomAD exomes 0.00002; TOPMed 0.00002; ExAC 0.00007; ESP Exome Variant Server 0.00008.

Submission:

Labcorp Genetics (formerly Invitae), Labcorp
Classification: Uncertain significance. Last evaluated: 2025-06-09. Review status: criteria provided, single submitter. Criteria: Invitae Variant Classification Sherloc (09022015). Collection method: clinical testing. Allele origin: germline.
Comment: This sequence change replaces arginine with glutamine at codon 479 of the MYO18B protein (p.Arg479Gln). The arginine residue is weakly conserved and there is a small physicochemical difference between arginine and glutamine. The frequency data for this variant in the population databases is considered unreliable, as metrics indicate poor data quality at this position in the gnomAD database. This variant has not been reported in the literature in individuals affected with MYO18B-related conditions. ClinVar contains an entry for this variant (Variation ID: 1421829). An algorithm developed to predict the effect of missense changes on protein structure and function outputs the following: PolyPhen-2: "Benign". The glutamine amino acid residue is found in multiple mammalian species, which suggests that this missense change does not adversely affect protein function. In summary, the available evidence is currently insufficient to determine the role of this variant in disease. Therefore, it has been classified as a Variant of Uncertain Significance.